The following is an entry in ClinVar:

ClinVar aggregate classification (germline): Uncertain significance. Review status: criteria provided, multiple submitters, no conflicts (2 of 4 stars). 2 submissions from 2 submitters: Uncertain significance (2). Last evaluated 2025-09-25.

Conditions:
Hereditary cancer-predisposing syndrome. Also called: Tumor predisposition; Neoplastic Syndromes, Hereditary; Hereditary Cancer Syndrome; Hereditary neoplastic syndrome. Identifiers: Orphanet 140162, MedGen C0027672, MeSH D009386, MONDO:0015356.
Von Hippel-Lindau syndrome (VHLS). Also called: Von Hippel-Lindau; von Hippel–Lindau syndrome; VHL syndrome. Identifiers: Orphanet 892, MedGen C0019562, MONDO:0008667, OMIM 193300. Disease mechanism: loss of function.
Chuvash polycythemia. Also called: POLYCYTHEMIA, VHL-DEPENDENT. Identifiers: Orphanet 238557, MedGen C1837915, MONDO:0009892, OMIM 263400.

Submissions (2):

Ambry Genetics
Classification: Uncertain significance for Hereditary cancer-predisposing syndrome. Last evaluated: 2025-09-25. Review status: criteria provided, single submitter. Criteria: Ambry Variant Classification Scheme 2023. Collection method: clinical testing. Allele origin: germline.
Comment: The p.E21Q variant (also known as c.61G>C), located in coding exon 1 of the VHL gene, results from a G to C substitution at nucleotide position 61. The glutamic acid at codon 21 is replaced by glutamine, an amino acid with highly similar properties. This amino acid position is well conserved in available vertebrate species. In addition, this alteration is predicted to be tolerated by in silico analysis. Based on the available evidence, the clinical significance of this variant remains unclear.

Labcorp Genetics (formerly Invitae), Labcorp
Classification: Uncertain significance for Von Hippel-Lindau syndrome; Chuvash polycythemia. Last evaluated: 2024-02-26. Review status: criteria provided, single submitter. Criteria: Invitae Variant Classification Sherloc (09022015). Collection method: clinical testing. Allele origin: germline.
Comment: This sequence change replaces glutamic acid, which is acidic and polar, with glutamine, which is neutral and polar, at codon 21 of the VHL protein (p.Glu21Gln). This variant is not present in population databases (gnomAD no frequency). This variant has not been reported in the literature in individuals affected with VHL-related conditions. Advanced modeling of protein sequence and biophysical properties (such as structural, functional, and spatial information, amino acid conservation, physicochemical variation, residue mobility, and thermodynamic stability) performed at Invitae indicates that this missense variant is not expected to disrupt VHL protein function with a negative predictive value of 95%. In summary, the available evidence is currently insufficient to determine the role of this variant in disease. Therefore, it has been classified as a Variant of Uncertain Significance.

NM_000551.4(VHL):c.61G>C (p.Glu21Gln)

Gene: VHL (von Hippel-Lindau tumor suppressor; plus strand). Cytogenetic location: 3p25.3.
Variant type: single nucleotide variant.
Coding change: c.61G>C on transcript NM_000551.4 (MANE Select); coding-DNA position 61, G replaced by C.
Protein change: p.Glu21Gln; replaces glutamic acid 21 with glutamine.
Molecular consequence: missense variant. On other transcripts: non-coding transcript variant (1).
Genome position (GRCh38, 1-based): chr3:10,141,908, G>C. VCF-style: chr3-10141908-G-C. GRCh37 (hg19) VCF-style: chr3-10183592-G-C.
Other names: c.61G>C, p.Glu21Gln (NM_001354723.2, NM_198156.3); short protein forms E21Q.
Identifiers: ClinVar variation 2921336 (VCV002921336.4), dbSNP rs2125124562, ClinGen allele CA351747333.
Genomic context (GRCh38, chr3:10,141,908, plus strand): 5'-ATGCCCCGGAGGGCGGAGAACTGGGACGAGGCCGAGGTAGGCGCGGAGGAGGCAGGCGTC[G>C]AAGAGTACGGCCCTGAAGAAGACGGCGGGGAGGAGTCGGGCGCCGAGGAGTCCGGCCCGG-3'
Protein context (NP_000542.1, residues 11-31): AEVGAEEAGV[Glu21Gln]EYGPEEDGGE